The following is an entry in ClinVar:

ClinVar aggregate classification (germline): Uncertain significance (1 of 4 stars; one submission).

gnomAD v4.1: 1 of 1,612,116 alleles (0.000062%); highest among the groups gnomAD compares: Non-Finnish European, 0.000085%; no homozygotes.

Submission:

Labcorp Genetics (formerly Invitae), Labcorp
Classification: Uncertain significance. Last evaluated: 2025-07-21. Review status: criteria provided, single submitter. Criteria: Invitae Variant Classification Sherloc (09022015). Collection method: clinical testing. Allele origin: germline.
Comment: This sequence change replaces serine, which is neutral and polar, with asparagine, which is neutral and polar, at codon 17 of the IKZF1 protein (p.Ser17Asn). This variant is not present in population databases (gnomAD no frequency). This variant has not been reported in the literature in individuals affected with IKZF1-related conditions. ClinVar contains an entry for this variant (Variation ID: 2851549). An algorithm developed to predict the effect of missense changes on protein structure and function (PolyPhen-2) suggests that this variant is likely to be disruptive. In summary, the available evidence is currently insufficient to determine the role of this variant in disease. Therefore, it has been classified as a Variant of Uncertain Significance.

NM_006060.6(IKZF1):c.50G>A (p.Ser17Asn)

Gene: IKZF1 (IKAROS family zinc finger 1; plus strand). Cytogenetic location: 7p12.2.
Variant type: single nucleotide variant.
Coding change: c.50G>A on transcript NM_006060.6 (MANE Select); coding-DNA position 50, G replaced by A.
Protein change: p.Ser17Asn; replaces serine 17 with asparagine.
Molecular consequence: missense variant.
Genome position (GRCh38, 1-based): chr7:50,327,647, G>A. VCF-style: chr7-50327647-G-A. GRCh37 (hg19) VCF-style: chr7-50367243-G-A.
Other names: c.50G>A, p.Ser17Asn (NM_001220765.3, NM_001220767.2, NM_001220768.2 and 14 more transcripts); short protein forms S17N.
Identifiers: ClinVar variation 2851549 (VCV002851549.3), dbSNP rs1562748776, ClinGen allele CA367569297.